The following is an entry in ClinVar:

ClinVar aggregate classification (germline): Benign/Likely benign. Review status: criteria provided, multiple submitters, no conflicts (2 of 4 stars). 3 submissions from 3 submitters: Benign (2); Likely benign (1). Last evaluated 2026-02-12.

Submissions (3):

Women's Health and Genetics/Laboratory Corporation of America, LabCorp
Classification: Benign. Last evaluated: 2026-02-12. Review status: criteria provided, single submitter. Criteria: LabCorp Variant Classification Summary - May 2015. Collection method: clinical testing. Allele origin: germline.
Comment: Variant summary: SEC61A1 c.463-13dupT alters a nucleotide located at a position not widely known to affect splicing. Consensus agreement among computation tools predict no significant impact on normal splicing. However, these predictions have yet to be confirmed by functional studies. The variant allele was found at a frequency of 0.00012 in 251020 control chromosomes. The observed variant frequency exceeds the estimated maximal expected allele frequency for disease-causing variants in SEC61A1. To our knowledge, no occurrence of c.463-13dupT in individuals affected with SEC61A1-related conditions and no experimental evidence demonstrating its impact on protein function have been reported. ClinVar contains an entry for this variant (Variation ID: 1607363). Based on the evidence outlined above, the variant was classified as benign.

Labcorp Genetics (formerly Invitae), Labcorp
Classification: Benign. Last evaluated: 2026-01-08. Review status: criteria provided, single submitter. Criteria: Invitae Variant Classification Sherloc (09022015). Collection method: clinical testing. Allele origin: germline.

Blueprint Genetics
Classification: Likely benign. Last evaluated: 2024-07-10. Review status: criteria provided, single submitter. Criteria: ACMG Guidelines, 2015. Collection method: clinical testing. Allele origin: germline.

NM_013336.4(SEC61A1):c.463-13dup

Gene: SEC61A1 (SEC61 translocon subunit alpha 1; plus strand). Cytogenetic location: 3q21.3.
Variant type: Duplication.
Coding change: c.463-13dup on transcript NM_013336.4 (MANE Select); 13 bases into the intron before coding-DNA position 463, one base duplicated (T; older notation c.463-13dupT).
Molecular consequence: intron variant.
Genome position (GRCh38, 1-based): chr3:128,060,495, T duplicated; the last of 5 consecutive T bases (chr3:128,060,491-128,060,495); duplicating any one gives the same sequence. VCF-style (leftmost placement, unchanged base first): chr3-128060490-A-AT. GRCh37 (hg19) VCF-style: chr3-127779333-A-AT.
Other names: c.463-13dupT (NM_013336.4).
Identifiers: ClinVar variation 1607363 (VCV001607363.10), dbSNP rs772190317, ClinGen allele CA2598414.